The following is an entry in ClinVar:

ClinVar aggregate classification (germline): Benign/Likely benign. Review status: criteria provided, multiple submitters, no conflicts (2 of 4 stars). 2 submissions from 2 submitters: Benign (1); Likely benign (1). Last evaluated 2024-07-22.

Conditions:
Familial cancer of breast. Also called: BREAST CANCER, FAMILIAL; Hereditary breast cancer; hereditary breast carcinoma. Identifiers: Orphanet 227535, MedGen C0346153, MONDO:0016419, OMIM 114480. Disease mechanism: loss of function.
Hereditary cancer-predisposing syndrome. Also called: Neoplastic Syndromes, Hereditary; Tumor predisposition; Hereditary neoplastic syndrome; Hereditary Cancer Syndrome. Identifiers: Orphanet 140162, MedGen C0027672, MeSH D009386, MONDO:0015356.

Submissions (2):

Myriad Genetics, Inc.
Classification: Benign for Familial cancer of breast. Last evaluated: 2024-07-22. Review status: criteria provided, single submitter. Criteria: Myriad Autosomal Dominant, Autosomal Recessive and X-Linked Classification Criteria (2023). Collection method: clinical testing. Allele origin: unknown.
Comment: This variant is considered benign. This variant is a silent/synonymous amino acid change and it is not expected to impact splicing.

Color Diagnostics, LLC DBA Color Health
Classification: Likely benign for Hereditary cancer-predisposing syndrome. Last evaluated: 2018-10-02. Review status: criteria provided, single submitter. Criteria: ACMG Guidelines, 2015. Collection method: clinical testing. Allele origin: germline.

NM_000465.4(BARD1):c.723C>A (p.Ser241=)

Gene: BARD1 (BRCA1 associated RING domain 1; minus strand). Cytogenetic location: 2q35.
Variant type: single nucleotide variant.
Coding change: c.723C>A on transcript NM_000465.4 (MANE Select); coding-DNA position 723, C replaced by A.
Protein change: p.Ser241=; no amino-acid change (serine 241 retained).
Molecular consequence: synonymous variant. On other transcripts: non-coding transcript variant (2), intron variant (3).
Genome position (GRCh38, 1-based): chr2:214,781,151, G>T on the plus strand (C>A on the coding strand, the complement: BARD1 is on the minus strand). VCF-style: chr2-214781151-G-T. GRCh37 (hg19) VCF-style: chr2-215645875-G-T.
Other names: c.666C>A, p.Ser222= (NM_001282543.2); c.158+28261C>A (NM_001282548.2); c.215+15910C>A (NM_001282545.2); c.364+11146C>A (NM_001282549.2).
Identifiers: ClinVar variation 629417 (VCV000629417.3), dbSNP rs1230339708, ClinGen allele CA431390863.